The following is an entry in ClinVar:

ClinVar aggregate classification (germline): Benign (1 of 4 stars; one submission).

Submission:

Dasa
Classification: Benign. Last evaluated: 2025-12-01. Review status: criteria provided, single submitter. Criteria: DASA Assertion Criteria. Collection method: clinical testing. Allele origin: germline.
Comment: NM_002691.4(POLD1):c.-1-3827G>A is interpreted as benign based on a combination of available evidence, which may include population frequency, observations in unaffected individuals, intact protein function, lack of segregation with disease, in silico models, amino acid conservation, lack of disease association in case-control studies, and/or inconsistency with the known disease mechanism or impacted region. Based on the available data, this variant is classified as benign.

NM_002691.4(POLD1):c.-1-3827G>A

Gene: POLD1 (DNA polymerase delta 1, catalytic subunit; plus strand). Cytogenetic location: 19q13.33.
Variant type: single nucleotide variant.
Coding change: c.-1-3827G>A on transcript NM_002691.4 (MANE Select); 3827 bases into the intron before 1 bases upstream of the start codon, G replaced by A.
Molecular consequence: intron variant. On other transcripts: splice acceptor variant (1).
Genome position (GRCh38, 1-based): chr19:50,395,024, G>A. VCF-style: chr19-50395024-G-A. GRCh37 (hg19) VCF-style: chr19-50898281-G-A.
Other names: c.-4-3824G>A (NM_001256849.1, NM_001438210.1); c.-1-3827G>A (NM_001438212.1, NM_001438211.1); c.-127-1G>A (NM_001438213.1).
Identifiers: ClinVar variation 4851847 (VCV004851847.1).